The following is an entry in ClinVar:

ClinVar aggregate classification (germline): Uncertain significance (1 of 4 stars; one submission).

Submission:

Women's Health and Genetics/Laboratory Corporation of America, LabCorp
Classification: Uncertain significance. Last evaluated: 2026-01-22. Review status: criteria provided, single submitter. Criteria: LabCorp Variant Classification Summary - May 2015. Collection method: clinical testing. Allele origin: germline.
Comment: Variant summary: TRPM6 c.1436A>G (p.Tyr479Cys) results in a non-conservative amino acid change in the encoded protein sequence. Algorithms developed to predict the effect of missense changes on protein structure and function all suggest that this variant is likely to be disruptive. The variant was absent in 251088 control chromosomes. The available data on variant occurrences in the general population are insufficient to allow any conclusion about variant significance. c.1436A>G has been observed in at least one compound heterozygous individual affected with Intestinal Hypomagnesemia 1 (example: Seo_2020, Jung_2021). This data does not allow any conclusion about variant significance. To our knowledge, no experimental evidence demonstrating an impact on protein function has been reported. The following publications have been ascertained in the context of this evaluation (PMID: 34217267, 32901917). No submitters have cited clinical-significance assessments for this variant to ClinVar. Based on the evidence outlined above, the variant was classified as uncertain significance.

Literature cited by the submitters: PubMed 32901917; PubMed 34217267.

NM_017662.5(TRPM6):c.1436A>G (p.Tyr479Cys)

Gene: TRPM6 (transient receptor potential cation channel subfamily M member 6; minus strand). Cytogenetic location: 9q21.13.
Variant type: single nucleotide variant.
Coding change: c.1436A>G on transcript NM_017662.5 (MANE Select); coding-DNA position 1436, A replaced by G.
Protein change: p.Tyr479Cys; replaces tyrosine 479 with cysteine.
Molecular consequence: missense variant.
Genome position (GRCh38, 1-based): chr9:74,812,306, T>C on the plus strand (A>G on the coding strand, the complement: TRPM6 is on the minus strand). VCF-style: chr9-74812306-T-C. GRCh37 (hg19) VCF-style: chr9-77427222-T-C.
Other names: c.1421A>G, p.Tyr474Cys (NM_001177310.2, NM_001177311.2); short protein forms Y474C, Y479C.
Identifiers: ClinVar variation 4689102 (VCV004689102.1).